The following is an entry in ClinVar:

ClinVar aggregate classification (germline): Uncertain significance (1 of 4 stars; one submission).

Conditions:
Short-rib thoracic dysplasia 8 with or without polydactyly (SRTD8). Also called: SHORT-RIB THORACIC DYSPLASIA 8 WITH POLYDACTYLY. Identifiers: Orphanet 93271, MedGen C3809691, MONDO:0014214, OMIM 615503.

Allele frequency attached by ClinVar (database versions not stated): TOPMed 0.00004; ExAC 0.00005; gnomAD 0.00005 and 0.00006; gnomAD exomes 0.00005 and 0.00008; ESP Exome Variant Server 0.00017.
gnomAD v4.1: 84 of 1,612,084 alleles (0.0052%); highest among the groups gnomAD compares: Non-Finnish European, 0.0018%; no homozygotes.

Submission:

Labcorp Genetics (formerly Invitae), Labcorp
Classification: Uncertain significance for Short-rib thoracic dysplasia 8 with or without polydactyly. Last evaluated: 2022-03-11. Review status: criteria provided, single submitter. Criteria: Invitae Variant Classification Sherloc (09022015). Collection method: clinical testing. Allele origin: germline.
Comment: This sequence change falls in intron 18 of the WDR60 gene. It does not directly change the encoded amino acid sequence of the WDR60 protein. It affects a nucleotide within the consensus splice site. This variant is present in population databases (rs373063403, gnomAD 0.1%). This variant has not been reported in the literature in individuals affected with WDR60-related conditions. Variants that disrupt the consensus splice site are a relatively common cause of aberrant splicing (PMID: 17576681, 9536098). Algorithms developed to predict the effect of sequence changes on RNA splicing suggest that this variant is not likely to affect RNA splicing. In summary, the available evidence is currently insufficient to determine the role of this variant in disease. Therefore, it has been classified as a Variant of Uncertain Significance.

Literature cited by the submitters: PubMed 17576681; PubMed 9536098.

NM_018051.5(DYNC2I1):c.2372-3C>T

Gene: DYNC2I1 (dynein 2 intermediate chain 1; plus strand). Cytogenetic location: 7q36.3.
Variant type: single nucleotide variant.
Coding change: c.2372-3C>T on transcript NM_018051.5 (MANE Select); 3 bases into the intron before coding-DNA position 2372, C replaced by T.
Molecular consequence: intron variant.
Genome position (GRCh38, 1-based): chr7:158,926,399, C>T. VCF-style: chr7-158926399-C-T. GRCh37 (hg19) VCF-style: chr7-158719090-C-T.
Other names: c.2234-3C>T (NM_001350914.2); c.1124-3C>T (NM_001350918.2, NM_001350917.2); c.911-3C>T (NM_001350916.2); c.1799-3C>T (NM_001350915.2).
Identifiers: ClinVar variation 1680711 (VCV001680711.3), dbSNP rs373063403, ClinGen allele CA4594978.
Genomic context (GRCh38, chr7:158,926,399, plus strand): 5'-GGTTGTGAAATATGGTTTCCTTATTTAAAGCCATTTCTTTCTTTTTGTTTCTGTCTTCAT[C>T]AGAAATGTCAGGTTTGTCCTTCCACATCGCTTCCTTGGATGAGAGTGGGGTTCTCAATGT-3'